The following is an entry in ClinVar:

ClinVar aggregate classification (germline): Conflicting classifications of pathogenicity. Review status: criteria provided, conflicting classifications (1 of 4 stars). 3 submissions from 3 submitters: Uncertain significance (1); Likely benign (1). 1 of the submissions does not count toward it. Last evaluated 2023-01-01.

Conditions:
Prostate cancer. Also called: Malignant tumor of prostate. Identifiers: Orphanet 1331, MedGen C0376358, MONDO:0008315, HP:0012125.

Allele frequency attached by ClinVar (database versions not stated): 1000 Genomes Project 0.00260; 1000 Genomes Project 30x 0.00265; TOPMed 0.00406; gnomAD exomes 0.00409 and 0.00645; ExAC 0.00423; gnomAD 0.00490; ESP Exome Variant Server 0.00546.
gnomAD v4.1: 10,028 of 1,611,658 alleles (0.62%); highest among the groups gnomAD compares: Non-Finnish European, 0.76%; 52 homozygotes.

Submissions (3):

CeGaT Center for Human Genetics Tuebingen
Classification: Likely benign. Last evaluated: 2023-01-01. Review status: criteria provided, single submitter. Criteria: CeGaT Center For Human Genetics Tuebingen Variant Classification Criteria Version 2. Collection method: clinical testing. Allele origin: germline. Affected: yes. Observed: 1 variant allele.
Comment: FHIP1B: BS2

Breakthrough Genomics
Classification: Uncertain significance. Review status: criteria provided, single submitter. Criteria: ACMG Guidelines, 2015. Collection method: not provided. Allele origin: germline. Inheritance: Unknown mechanism. Affected: yes.

Prostate Cancer Research Center, Institute of Biosciences and Medical Technology, University of Tampere
Classification: Uncertain significance for Prostate cancer. Review status: no assertion criteria provided. Collection method: research. Allele origin: somatic. Affected: yes. Observed: 1 variant allele. Not counted in ClinVar's aggregate classification.

NM_001098794.2(FHIP1B):c.2542C>T (p.Arg848Cys)

Gene: FHIP1B (FHF complex subunit HOOK interacting protein 1B; minus strand). Cytogenetic location: 11p15.4.
Variant type: single nucleotide variant.
Coding change: c.2542C>T on transcript NM_001098794.2 (MANE Select); coding-DNA position 2542, C replaced by T.
Protein change: p.Arg848Cys; replaces arginine 848 with cysteine.
Molecular consequence: missense variant.
Genome position (GRCh38, 1-based): chr11:6,214,426, G>A on the plus strand (C>T on the coding strand, the complement: FHIP1B is on the minus strand). VCF-style: chr11-6214426-G-A. GRCh37 (hg19) VCF-style: chr11-6235656-G-A.
Other names: c.2584C>T, p.Arg862Cys (NM_032127.4); short protein forms R848C, R862C.
Identifiers: ClinVar variation 219307 (VCV000219307.27), dbSNP rs117940741, ClinGen allele CA349069.